The following is an entry in ClinVar:

ClinVar aggregate classification (germline): Uncertain significance (1 of 4 stars; one submission).

Conditions:
Joubert syndrome. Also called: CEREBELLOPARENCHYMAL DISORDER IV; JOUBERT-BOLTSHAUSER SYNDROME; Familial aplasia of the vermis. Identifiers: Orphanet 475, MedGen C5979921, MONDO:0018772.
Orofaciodigital syndrome I (OFD1). Also called: OFDS I; Papillon-Leage and Psaume Syndrome; Oral-Facial-Digital Syndrome Type I. Identifiers: Orphanet 2750, MedGen C1510460, MONDO:0010702, OMIM 311200.

gnomAD v4.1: 6 of 1,193,836 alleles (0.0005%); highest among the groups gnomAD compares: East Asian, 0.0059%; no homozygotes.

Submission:

Labcorp Genetics (formerly Invitae), Labcorp
Classification: Uncertain significance for Orofaciodigital syndrome I; Joubert syndrome. Last evaluated: 2024-03-16. Review status: criteria provided, single submitter. Criteria: Invitae Variant Classification Sherloc (09022015). Collection method: clinical testing. Allele origin: germline.
Comment: This sequence change replaces aspartic acid, which is acidic and polar, with asparagine, which is neutral and polar, at codon 1010 of the OFD1 protein (p.Asp1010Asn). This variant is not present in population databases (gnomAD no frequency). This variant has not been reported in the literature in individuals affected with OFD1-related conditions. An algorithm developed to predict the effect of missense changes on protein structure and function (PolyPhen-2) suggests that this variant is likely to be disruptive. In summary, the available evidence is currently insufficient to determine the role of this variant in disease. Therefore, it has been classified as a Variant of Uncertain Significance.

NM_003611.3(OFD1):c.3028G>A (p.Asp1010Asn)

Gene: OFD1 (OFD1 centriole and centriolar satellite protein; plus strand). Cytogenetic location: Xp22.2.
Variant type: single nucleotide variant.
Coding change: c.3028G>A on transcript NM_003611.3 (MANE Select); coding-DNA position 3028, G replaced by A.
Protein change: p.Asp1010Asn; replaces aspartic acid 1010 with asparagine.
Molecular consequence: missense variant.
Genome position (GRCh38, 1-based): chrX:13,769,097, G>A. VCF-style: chrX-13769097-G-A. GRCh37 (hg19) VCF-style: chrX-13787216-G-A.
Other names: c.2908G>A, p.Asp970Asn (NM_001330209.2); c.2608G>A, p.Asp870Asn (NM_001330210.2); short protein forms D1010N, D870N, D970N.
Identifiers: ClinVar variation 3751330 (VCV003751330.2).